The following is an entry in ClinVar:

ClinVar aggregate classification (germline): Pathogenic. Review status: criteria provided, multiple submitters, no conflicts (2 of 4 stars). 2 submissions from 2 submitters: Pathogenic (2). Last evaluated 2023-05-08.

Conditions:
Hereditary cancer-predisposing syndrome. Also called: Tumor predisposition; Neoplastic Syndromes, Hereditary; Hereditary Cancer Syndrome; Hereditary neoplastic syndrome. Identifiers: Orphanet 140162, MedGen C0027672, MeSH D009386, MONDO:0015356.
Familial adenomatous polyposis 1 (FAP1). Also called: FAMILIAL ADENOMATOUS POLYPOSIS 1, ATTENUATED; POLYPOSIS, ADENOMATOUS INTESTINAL. Identifiers: MedGen C2713442, MONDO:0021056, OMIM 175100. Disease mechanism: loss of function.

Submissions (2):

Myriad Genetics, Inc.
Classification: Pathogenic for Familial adenomatous polyposis 1. Last evaluated: 2023-05-08. Review status: criteria provided, single submitter. Criteria: Myriad Autosomal Dominant, Autosomal Recessive and X-Linked Classification Criteria (2023). Collection method: clinical testing. Allele origin: unknown.
Comment: This variant is considered pathogenic. This variant creates a frameshift predicted to result in premature protein truncation.

Ambry Genetics
Classification: Pathogenic for Hereditary cancer-predisposing syndrome. Last evaluated: 2021-02-02. Review status: criteria provided, single submitter. Criteria: Ambry Variant Classification Scheme 2023. Collection method: clinical testing. Allele origin: germline.
Comment: The c.3197dupG pathogenic mutation, located in coding exon 15 of the APC gene, results from a duplication of G at nucleotide position 3197, causing a translational frameshift with a predicted alternate stop codon (p.Q1067Tfs*14). This alteration occurs at the 3' terminus of theAPC gene, is not expected to trigger nonsense-mediated mRNA decay, and impacts the last 1777 amino acids of the protein. However, premature stop codons are typically deleterious in nature and the impacted region is critical for protein function and a significant portion of the protein is affected (Ambry internal data). Based on the supporting evidence, this alteration is interpreted as a disease-causing mutation.

NM_000038.6(APC):c.3197dup (p.Gln1067fs)

Gene: APC (APC regulator of Wnt signaling pathway; plus strand). Cytogenetic location: 5q22.2.
Variant type: Duplication.
Coding change: c.3197dup on transcript NM_000038.6 (MANE Select); coding-DNA position 3197, one base duplicated (G; older notation c.3197dupG).
Protein change: p.Gln1067fs; shifts the reading frame from glutamine 1067.
Molecular consequence: frameshift variant.
Genome position (GRCh38, 1-based): chr5:112,838,791, G duplicated. VCF-style (leftmost placement, unchanged base first): chr5-112838790-A-AG. GRCh37 (hg19) VCF-style: chr5-112174487-A-AG.
Other names: c.3197dup, p.Gln1067fs (NM_001127510.3, NM_001354895.2); c.3143dup, p.Gln1049fs (NM_001127511.3); c.3251dup, p.Gln1085fs (NM_001354896.2); c.3227dup, p.Gln1077fs (NM_001354897.2); c.3122dup, p.Gln1042fs (NM_001354898.2); c.3113dup, p.Gln1039fs (NM_001354899.2); c.3074dup, p.Gln1026fs (NM_001354900.2); c.3020dup, p.Gln1008fs (NM_001354901.2); and 16 more; short protein forms Q1039fs, Q1042fs, Q941fs, Q976fs, Q1049fs, Q1077fs, Q784fs, Q1067fs.
Identifiers: ClinVar variation 1728723 (VCV001728723.4), dbSNP rs2533478861, ClinGen allele CA2580072826.